The following is an entry in ClinVar:

ClinVar aggregate classification (germline): Pathogenic (1 of 4 stars; one submission).

Conditions:
Hereditary insensitivity to pain with anhidrosis (CIPA). Also called: NTRK1 Congenital Insensitivity to Pain with Anhidrosis; NEUROPATHY, CONGENITAL SENSORY, WITH ANHIDROSIS; HSAN Type IV; hereditary sensory and autonomic neuropathy type 4; INSENSITIVITY TO PAIN, CONGENITAL, WITH ANHIDROSIS; FAMILIAL DYSAUTONOMIA, TYPE II. Identifiers: Orphanet 642, MedGen C0020074, MONDO:0009746, OMIM 256800.

Allele frequency attached by ClinVar (database versions not stated): gnomAD exomes below 0.00001.

Submission:

Labcorp Genetics (formerly Invitae), Labcorp
Classification: Pathogenic for Hereditary insensitivity to pain with anhidrosis. Last evaluated: 2023-04-28. Review status: criteria provided, single submitter. Criteria: Invitae Variant Classification Sherloc (09022015). Collection method: clinical testing. Allele origin: germline.
Comment: For these reasons, this variant has been classified as Pathogenic. ClinVar contains an entry for this variant (Variation ID: 649492). This variant has not been reported in the literature in individuals affected with NTRK1-related conditions. This variant is not present in population databases (gnomAD no frequency). This sequence change creates a premature translational stop signal (p.Gly344Alafs*116) in the NTRK1 gene. It is expected to result in an absent or disrupted protein product. Loss-of-function variants in NTRK1 are known to be pathogenic (PMID: 10982191).

Literature cited by the submitters: PubMed 10982191.

NM_002529.4(NTRK1):c.1031_1043del (p.Gly344fs)

Gene: NTRK1 (neurotrophic receptor tyrosine kinase 1; plus strand). Cytogenetic location: 1q23.1.
Variant type: Deletion.
Coding change: c.1031_1043del on transcript NM_002529.4 (MANE Select); coding-DNA positions 1031 to 1043, 13 bases deleted (GGTGTCTGCGCCT).
Protein change: p.Gly344fs; shifts the reading frame from glycine 344.
Molecular consequence: frameshift variant.
Genome position (GRCh38, 1-based): chr1:156,873,813-156,873,825, GGTGTCTGCGCCT deleted. VCF-style (leftmost placement, unchanged base first): chr1-156873812-GGGTGTCTGCGCCT-G. GRCh37 (hg19) VCF-style: chr1-156843604-GGGTGTCTGCGCCT-G.
Other names: c.1031_1043delGGTGTCTGCGCCT (NM_001012331.1); c.941_953del, p.Gly314fs (NM_001007792.1); c.1031_1043del, p.Gly344fs (NM_001012331.2); short protein forms G344fs, G314fs.
Identifiers: ClinVar variation 649492 (VCV000649492.8), dbSNP rs1571696060, ClinGen allele CA915941474.